The following is an entry in ClinVar:

NM_000274.4(OAT):c.199+303C>G

Gene: OAT (ornithine aminotransferase; minus strand). Cytogenetic location: 10q26.13.
Variant type: single nucleotide variant.
Coding change: c.199+303C>G on transcript NM_000274.4 (MANE Select); 303 bases into the intron after coding-DNA position 199, C replaced by G.
Molecular consequence: intron variant.
Genome position (GRCh38, 1-based): chr10:124,411,670, G>C on the plus strand (C>G on the coding strand, the complement: OAT is on the minus strand). VCF-style: chr10-124411670-G-C. GRCh37 (hg19) VCF-style: chr10-126100239-G-C.
Other names: OAT, ALU INS; ALU INS; c.199+303C>G (NM_001322965.2, NM_001322971.2, NM_001322969.2 and 4 more transcripts); c.-215-2705C>G (NM_001171814.2); c.-515-2705C>G (NM_001322974.2).
Identifiers: ClinVar variation 56119 (VCV000056119.4), dbSNP rs386833601, ClinGen allele CA144142.
Genomic context (GRCh38, chr10:124,411,670, plus strand): 5'-GTCTGAGACCAGCCTGGCCAACATGGTGAAACCCCATCTCTACTAAAAATACAAAAATTA[G>C]CTGGGTGTGGTGGCGCACGCCTGTAGTCCCAGCTACTCAGGAGGCTGAGGCAGAAGAATC-3'

ClinVar aggregate classification (germline): Likely pathogenic. Review status: criteria provided, single submitter (1 of 4 stars). 3 submissions from 3 submitters: Likely pathogenic (1). 2 of the submissions do not count toward it. Last evaluated 2025-04-03.

Conditions:
Ornithine aminotransferase deficiency (GACR). Also called: HYPERORNITHINEMIA WITH GYRATE ATROPHY OF CHOROID AND RETINA; OAT DEFICIENCY; OKT DEFICIENCY; Ornithine ketoacid aminotransferase deficiency; Gyrate atrophy; Gyrate atrophy of choroid and retina. Identifiers: Orphanet 414, MedGen C0018425, MONDO:0009796, OMIM 258870.
Hyperornithinemia. Also called: Ornithinemia. Identifiers: MedGen C0599035, HP:0012026.

Submissions (3):

Women's Health and Genetics/Laboratory Corporation of America, LabCorp
Classification: Likely pathogenic for Hyperornithinemia. Last evaluated: 2025-04-03. Review status: criteria provided, single submitter. Criteria: LabCorp Variant Classification Summary - May 2015. Collection method: clinical testing. Allele origin: germline.
Comment: Variant summary: OAT c.199+303C>G is located at a position not widely known to affect splicing. Several computational tools predict a significant impact on normal splicing: Four predict the variant creates a 5' donor site. At least one publication reports experimental evidence that this variant affects mRNA splicing, causing inclusion of an intron sequencing and subsequent truncation of majority of the protein (Mitchell_1991). The variant was absent in 152118 control chromosomes. c.199+303C>G has been reported in the literature in a homozygous individual affected with Ornithine Aminotransferase Deficiency (Mitchell_1991). These data indicate that the variant is likely to be associated with disease. The following publications have been ascertained in the context of this evaluation (PMID: 1992472, 19823873). ClinVar contains an entry for this variant (Variation ID: 56119). Based on the evidence outlined above, the variant was classified as likely pathogenic.

OMIM
Classification: Pathogenic for GYRATE ATROPHY OF CHOROID AND RETINA. Last evaluated: 2018-02-01. Review status: no assertion criteria provided. Collection method: literature only. Allele origin: germline. Not counted in ClinVar's aggregate classification.

Juha Muilu Group; Institute for Molecular Medicine Finland (FIMM)
Classification: Likely pathogenic for Ornithine aminotransferase deficiency. Review status: no assertion criteria provided. Collection method: not provided. Allele origin: unknown. Not counted in ClinVar's aggregate classification.
Comment: FinDis database variant: This variant was not found or characterized by our laboratory, data were collected from public sources: see reference
ClinVar note: Converted during submission from probable-pathogenic to Likely pathogenic.

Literature cited by the submitters: PubMed 19823873 (cited by Women's Health and Genetics/Laboratory Corporation of America, LabCorp); PubMed 1992472 (cited by Women's Health and Genetics/Laboratory Corporation of America, LabCorp); Mitchell, G., Brody, L., Sipila, I., Simell, O., Engelhardt, J., Martin, L., Steel, G., Obie, C., Fontaine, G., Kaiser-Kupfer, M., Valle, D. Mutational analysis of ornithine-delta-aminotransferase (OAT) in 72 gyrate atrophy (GA) pedigrees. (Abstract) Am. J. Hum. Genet. 45: A207-only, 1989. (cited by OMIM).